The following is an entry in ClinVar:

NM_001003841.3(SLC6A19):c.392C>T (p.Thr131Ile)

Gene: SLC6A19 (solute carrier family 6 member 19; plus strand). Cytogenetic location: 5p15.33.
Variant type: single nucleotide variant.
Coding change: c.392C>T on transcript NM_001003841.3 (MANE Select); coding-DNA position 392, C replaced by T.
Protein change: p.Thr131Ile; replaces threonine 131 with isoleucine.
Molecular consequence: missense variant.
Genome position (GRCh38, 1-based): chr5:1,210,492, C>T. VCF-style: chr5-1210492-C-T. GRCh37 (hg19) VCF-style: chr5-1210607-C-T.
Other names: short protein forms T131I.
Identifiers: ClinVar variation 1482992 (VCV001482992.3), dbSNP rs1022717759, ClinGen allele CA112936580.

ClinVar aggregate classification (germline): Uncertain significance (1 of 4 stars; one submission).

Allele frequency attached by ClinVar (database versions not stated): gnomAD exomes below 0.00001 and 0.00001; TOPMed below 0.00001.
gnomAD v4.1: 8 of 1,613,518 alleles (0.0005%); highest among the groups gnomAD compares: East Asian, 0.0022%; no homozygotes.

Submission:

Labcorp Genetics (formerly Invitae), Labcorp
Classification: Uncertain significance. Last evaluated: 2021-12-02. Review status: criteria provided, single submitter. Criteria: Invitae Variant Classification Sherloc (09022015). Collection method: clinical testing. Allele origin: germline.
Comment: This sequence change replaces threonine, which is neutral and polar, with isoleucine, which is neutral and non-polar, at codon 131 of the SLC6A19 protein (p.Thr131Ile). This variant is present in population databases (no rsID available, gnomAD 0.002%). This variant has not been reported in the literature in individuals affected with SLC6A19-related conditions. Advanced modeling of protein sequence and biophysical properties (such as structural, functional, and spatial information, amino acid conservation, physicochemical variation, residue mobility, and thermodynamic stability) performed at Invitae indicates that this missense variant is not expected to disrupt SLC6A19 protein function. In summary, the available evidence is currently insufficient to determine the role of this variant in disease. Therefore, it has been classified as a Variant of Uncertain Significance.